The following is an entry in ClinVar:

NM_000603.5(NOS3):c.1752+1091C>T

Gene: NOS3 (nitric oxide synthase 3; plus strand). Cytogenetic location: 7q36.1.
Variant type: single nucleotide variant.
Coding change: c.1752+1091C>T on transcript NM_000603.5 (MANE Select); 1091 bases into the intron after coding-DNA position 1752, C replaced by T.
Molecular consequence: intron variant. On other transcripts: nonsense (1), 3 prime UTR variant (1).
Genome position (GRCh38, 1-based): chr7:151,003,395, C>T. VCF-style: chr7-151003395-C-T. GRCh37 (hg19) VCF-style: chr7-150700483-C-T.
Other names: c.1837C>T, p.Arg613Ter (NM_001160110.1); c.*107C>T (NM_001160111.1); c.1753-262C>T (NM_001160109.2); short protein forms R613*.
Identifiers: ClinVar variation 3257625 (VCV003257625.17).
Genomic context (GRCh38, chr7:151,003,395, plus strand): 5'-AGGCTGGTCTCTAACTCCTGGGTTCAAGCAATCCACCTGCCTCGGCCTCCCAAAGTGCTG[C>T]GATTATAGACGTGAGCCACTGCACCTGGCCCTCAGTATCTTAAGCAAGTTGGAATCTCGT-3'

ClinVar aggregate classification (germline): Likely benign (1 of 4 stars; one submission).

gnomAD v4.1: 739 of 1,221,504 alleles (0.06%); highest among the groups gnomAD compares: South Asian, 0.98%; 7 homozygotes.

Submission:

CeGaT Center for Human Genetics Tuebingen
Classification: Likely benign. Last evaluated: 2024-07-01. Review status: criteria provided, single submitter. Criteria: CeGaT Center For Human Genetics Tuebingen Variant Classification Criteria Version 2. Collection method: clinical testing. Allele origin: germline. Affected: yes. Observed: 1 variant allele.
Comment: NOS3: BS1